The following is an entry in ClinVar:

ClinVar aggregate classification (germline): Benign. Review status: criteria provided, single submitter (1 of 4 stars). 2 submissions from 2 submitters: Benign (1). 1 of the submissions does not count toward it. Last evaluated 2025-12-15.

Conditions:
TNK2-related disorder. Also called: TNK2-related condition.

Allele frequency attached by ClinVar (database versions not stated): gnomAD exomes 0.00042 and 0.00103; gnomAD 0.00491 and 0.00459; ESP Exome Variant Server 0.00492; TOPMed 0.00511; 1000 Genomes Project 0.00519; 1000 Genomes Project 30x 0.00593; ExAC 0.00132.
gnomAD v4.1: 1,340 of 1,613,982 alleles (0.083%); highest among the groups gnomAD compares: African/African-American, 1.6%; 10 homozygotes.

Submissions (2):

Labcorp Genetics (formerly Invitae), Labcorp
Classification: Benign. Last evaluated: 2025-12-15. Review status: criteria provided, single submitter. Criteria: Invitae Variant Classification Sherloc (09022015). Collection method: clinical testing. Allele origin: germline.

PreventionGenetics, part of Exact Sciences
Classification: Likely benign for TNK2-related condition. Last evaluated: 2019-05-06. Review status: no assertion criteria provided. Collection method: clinical testing. Allele origin: germline. Not counted in ClinVar's aggregate classification.
Comment: This variant is classified as likely benign based on ACMG/AMP sequence variant interpretation guidelines (Richards et al. 2015 PMID: 25741868, with internal and published modifications).

NM_001382273.1(TNK2):c.93C>T (p.Asn31=)

Gene: TNK2 (tyrosine kinase non receptor 2; minus strand). Cytogenetic location: 3q29.
Variant type: single nucleotide variant.
Coding change: c.93C>T on transcript NM_001382273.1 (MANE Select); coding-DNA position 93, C replaced by T.
Protein change: p.Asn31=; no amino-acid change (asparagine 31 retained).
Molecular consequence: synonymous variant. On other transcripts: non-coding transcript variant (15).
Genome position (GRCh38, 1-based): chr3:195,888,496, G>A on the plus strand (C>T on the coding strand, the complement: TNK2 is on the minus strand). VCF-style: chr3-195888496-G-A. GRCh37 (hg19) VCF-style: chr3-195615367-G-A.
Other names: c.93C>T (NM_005781.4); c.165C>T, p.Asn55= (NM_001010938.2, NM_001382272.1, NM_001387708.1 and 1 more transcripts); c.189C>T, p.Asn63= (NM_001308046.2, NM_001382271.1, NM_001382275.1 and 1 more transcripts); c.93C>T, p.Asn31= (NM_001382274.1, NM_001386164.1, NM_001387709.1 and 12 more transcripts).
Identifiers: ClinVar variation 1541275 (VCV001541275.10), dbSNP rs56190948, ClinGen allele CA2777026.
Genomic context (GRCh38, chr3:195,888,496, plus strand): 5'-CATGCCGATCTTCTCCAGGTCCTCATTCTTGACGTACTCAAAGTGGGACAGGCGGGTGAC[G>A]TTGAGGTCATCTCGGAGCCGCAGGAAGTACTGTTGCAGCTGCACCTCGGACAGCAGCTCC-3'
Protein context (NP_001369202.1, residues 21-41): QYFLRLRDDL[Asn31=]VTRLSHFEYV